The following is an entry in ClinVar:

ClinVar aggregate classification (germline): Uncertain significance (1 of 4 stars; one submission).

Conditions:
Hereditary spastic paraplegia 7 (SPG7). Also called: Autosomal recessive spastic paraplegia type 7; SPASTIC PARAPLEGIA 7, AUTOSOMAL RECESSIVE, WITH OR WITHOUT CEREBELLAR ATAXIA; Spastic paraplegia 7; Hereditary spastic paraplegia Paraplegin type; SPG7-related neurologic disorder. Identifiers: Orphanet 99013, MedGen C1846564, MONDO:0011803, OMIM 607259.

Submission:

Labcorp Genetics (formerly Invitae), Labcorp
Classification: Uncertain significance for Hereditary spastic paraplegia 7. Last evaluated: 2024-08-05. Review status: criteria provided, single submitter. Criteria: Invitae Variant Classification Sherloc (09022015). Collection method: clinical testing. Allele origin: germline.
Comment: This sequence change replaces alanine, which is neutral and non-polar, with glycine, which is neutral and non-polar, at codon 532 of the SPG7 protein (p.Ala532Gly). This variant is not present in population databases (gnomAD no frequency). This variant has not been reported in the literature in individuals affected with SPG7-related conditions. Advanced modeling of protein sequence and biophysical properties (such as structural, functional, and spatial information, amino acid conservation, physicochemical variation, residue mobility, and thermodynamic stability) performed at Invitae indicates that this missense variant is expected to disrupt SPG7 protein function with a positive predictive value of 80%. In summary, the available evidence is currently insufficient to determine the role of this variant in disease. Therefore, it has been classified as a Variant of Uncertain Significance.

NM_003119.4(SPG7):c.1595C>G (p.Ala532Gly)

Gene: SPG7 (SPG7 matrix AAA peptidase subunit, paraplegin; plus strand). Cytogenetic location: 16q24.3.
Variant type: single nucleotide variant.
Coding change: c.1595C>G on transcript NM_003119.4 (MANE Select); coding-DNA position 1595, C replaced by G.
Protein change: p.Ala532Gly; replaces alanine 532 with glycine.
Molecular consequence: missense variant.
Genome position (GRCh38, 1-based): chr16:89,548,045, C>G. VCF-style: chr16-89548045-C-G. GRCh37 (hg19) VCF-style: chr16-89614453-C-G.
Other names: c.1595C>G, p.Ala532Gly (NM_001363850.1); short protein forms A532G.
Identifiers: ClinVar variation 2704830 (VCV002704830.3), dbSNP rs1229935577, ClinGen allele CA397427720.